The following is an entry in ClinVar:

ClinVar aggregate classification (germline): Uncertain significance (1 of 4 stars; one submission).

Submission:

GeneDx
Classification: Uncertain significance. Last evaluated: 2025-06-26. Review status: criteria provided, single submitter. Criteria: GeneDx Variant Classification Process June 2021. Collection method: clinical testing. Allele origin: germline. Affected: yes.
Comment: Not observed at significant frequency in large population cohorts (gnomAD); In silico analysis suggests that this missense variant does not alter protein structure/function; Has not been previously published as pathogenic or benign to our knowledge

NM_080552.3(SLC32A1):c.866C>A (p.Ala289Glu)

Gene: SLC32A1 (solute carrier family 32 member 1; plus strand). Cytogenetic location: 20q11.23.
Variant type: single nucleotide variant.
Coding change: c.866C>A on transcript NM_080552.3 (MANE Select); coding-DNA position 866, C replaced by A.
Protein change: p.Ala289Glu; replaces alanine 289 with glutamic acid.
Molecular consequence: missense variant.
Genome position (GRCh38, 1-based): chr20:38,727,927, C>A. VCF-style: chr20-38727927-C-A. GRCh37 (hg19) VCF-style: chr20-37356570-C-A.
Other names: short protein forms A289E.
Identifiers: ClinVar variation 4540206 (VCV004540206.1).